The following is an entry in ClinVar:

NM_024529.5(CDC73):c.205C>T (p.Leu69Phe)

Gene: CDC73 (cell division cycle 73; plus strand). Cytogenetic location: 1q31.2.
Variant type: single nucleotide variant.
Coding change: c.205C>T on transcript NM_024529.5 (MANE Select); coding-DNA position 205, C replaced by T.
Protein change: p.Leu69Phe; replaces leucine 69 with phenylalanine.
Molecular consequence: missense variant.
Genome position (GRCh38, 1-based): chr1:193,125,185, C>T. VCF-style: chr1-193125185-C-T. GRCh37 (hg19) VCF-style: chr1-193094315-C-T.
Other names: short protein forms L69F.
Identifiers: ClinVar variation 1046922 (VCV001046922.10), dbSNP rs1675543142, ClinGen allele CA343973193.

ClinVar aggregate classification (germline): Uncertain significance. Review status: criteria provided, multiple submitters, no conflicts (2 of 4 stars). 2 submissions from 2 submitters: Uncertain significance (2). Last evaluated 2024-05-24.

Conditions:
Parathyroid carcinoma (PRTC). Also called: Parathyroid gland carcinoma; CDC73-Related Parathyroid Carcinoma. Identifiers: Orphanet 143, MedGen C0687150, MONDO:0012004, OMIM 608266, HP:0006780.
Hyperparathyroidism 1 (HRPT1). Also called: HYPERPARATHYROIDISM, FAMILIAL ISOLATED PRIMARY. Identifiers: Orphanet 99879, MedGen C1840402, MONDO:0007767, OMIM 145000.
Hyperparathyroidism 2 with jaw tumors. Also called: Hyperparathyroidism-Jaw Tumor Syndrome; Hyperparathyroidism 2; HYPERPARATHYROIDISM, FAMILIAL PRIMARY, WITH MULTIPLE OSSIFYING JAW FIBROMAS; HYPERPARATHYROIDISM-JAW TUMOR SYNDROME, HEREDITARY. Identifiers: Orphanet 99880, MedGen C1704981, MONDO:0007768, OMIM 145001.

Submissions (2):

Fulgent Genetics
Classification: Uncertain significance for Hyperparathyroidism 1; Hyperparathyroidism 2 with jaw tumors; Parathyroid carcinoma. Last evaluated: 2024-05-24. Review status: criteria provided, single submitter. Criteria: ACMG Guidelines, 2015. Collection method: clinical testing. Allele origin: germline.

Labcorp Genetics (formerly Invitae), Labcorp
Classification: Uncertain significance for Parathyroid carcinoma. Last evaluated: 2020-08-24. Review status: criteria provided, single submitter. Criteria: Invitae Variant Classification Sherloc (09022015). Collection method: clinical testing. Allele origin: germline.
Comment: This variant has not been reported in the literature in individuals with CDC73-related conditions. Algorithms developed to predict the effect of missense changes on protein structure and function are either unavailable or do not agree on the potential impact of this missense change (SIFT: "Tolerated"; PolyPhen-2: "Possibly Damaging"; Align-GVGD: "Class C0"). In summary, the available evidence is currently insufficient to determine the role of this variant in disease. Therefore, it has been classified as a Variant of Uncertain Significance. This variant is not present in population databases (ExAC no frequency). This sequence change replaces leucine with phenylalanine at codon 69 of the CDC73 protein (p.Leu69Phe). The leucine residue is moderately conserved and there is a small physicochemical difference between leucine and phenylalanine.